The following is an entry in ClinVar:

ClinVar aggregate classification (germline): Uncertain significance. Review status: criteria provided, multiple submitters, no conflicts (2 of 4 stars). 5 submissions from 5 submitters: Uncertain significance (4). 1 of the submissions does not count toward it. Last evaluated 2025-04-09.

Conditions:
Hereditary cancer-predisposing syndrome. Also called: Neoplastic Syndromes, Hereditary; Hereditary Cancer Syndrome; Tumor predisposition; Hereditary neoplastic syndrome. Identifiers: Orphanet 140162, MedGen C0027672, MeSH D009386, MONDO:0015356.
Ataxia-telangiectasia syndrome (AT). Also called: Ataxia-telangiectasia, complementation group D; AT, COMPLEMENTATION GROUP C; Ataxia-telangiectasia; ATAXIA-TELANGIECTASIA, COMPLEMENTATION GROUP A; ATAXIA-TELANGIECTASIA, FRESNO VARIANT; Ataxia-telangiectasia, complementation group E. Identifiers: Orphanet 100, MedGen C0004135, MONDO:0008840, OMIM 208900.

Submissions (5):

Ambry Genetics
Classification: Uncertain significance for Hereditary cancer-predisposing syndrome. Last evaluated: 2025-04-09. Review status: criteria provided, single submitter. Criteria: Ambry Variant Classification Scheme 2023. Collection method: clinical testing. Allele origin: germline.
Comment: The p.T2754A variant (also known as c.8260A>G), located in coding exon 55 of the ATM gene, results from an A to G substitution at nucleotide position 8260. The threonine at codon 2754 is replaced by alanine, an amino acid with similar properties. This amino acid position is conserved through mammals, but not in lower vertebrate species. In addition, the in silico prediction for this alteration is inconclusive. Since supporting evidence is limited at this time, the clinical significance of this alteration remains unclear.

Labcorp Genetics (formerly Invitae), Labcorp
Classification: Uncertain significance for Ataxia-telangiectasia syndrome. Last evaluated: 2024-11-12. Review status: criteria provided, single submitter. Criteria: Invitae Variant Classification Sherloc (09022015). Collection method: clinical testing. Allele origin: germline.
Comment: This sequence change replaces threonine, which is neutral and polar, with alanine, which is neutral and non-polar, at codon 2754 of the ATM protein (p.Thr2754Ala). This variant is not present in population databases (gnomAD no frequency). This variant has not been reported in the literature in individuals affected with ATM-related conditions. ClinVar contains an entry for this variant (Variation ID: 140982). Invitae Evidence Modeling of protein sequence and biophysical properties (such as structural, functional, and spatial information, amino acid conservation, physicochemical variation, residue mobility, and thermodynamic stability) has been performed for this missense variant. However, the output from this modeling did not meet the statistical confidence thresholds required to predict the impact of this variant on ATM protein function. In summary, the available evidence is currently insufficient to determine the role of this variant in disease. Therefore, it has been classified as a Variant of Uncertain Significance.

Color Diagnostics, LLC DBA Color Health
Classification: Uncertain significance for Hereditary cancer-predisposing syndrome. Last evaluated: 2019-05-24. Review status: criteria provided, single submitter. Criteria: ACMG Guidelines, 2015. Collection method: clinical testing. Allele origin: germline.

GeneDx
Classification: Uncertain significance. Last evaluated: 2015-12-04. Review status: criteria provided, single submitter. Criteria: GeneDx Variant Classification (06012015). Collection method: clinical testing. Allele origin: germline. Affected: yes.
Comment: This variant is denoted ATM c.8260A>G at the cDNA level, p.Thr2754Ala (T2754A) at the protein level, and results in the change of a Threonine to an Alanine (ACT>GCT). This variant has not, to our knowledge, been published in the literature as pathogenic or benign. ATM Thr2754Ala was not observed in approximately 6,500 individuals of European and African American ancestry in the NHLBI Exome Sequencing Project, suggesting it is not a common benign variant in these populations. Since Threonine and Alanine differ in polarity, charge, size or other properties, this is considered a non-conservative amino acid substitution. ATM Thr2754Ala occurs at a position that is conserved in mammals and is located in the PI3K/PI4K domain (Tavtigian 2009). In silico analyses are inconsistent regarding the effect this variant may have on protein structure and function. Based on currently available evidence, it is unclear whether ATM Thr2754Ala is a pathogenic or benign variant. We consider it to be a variant of uncertain significance.

Natera, Inc.
Classification: Uncertain significance for Ataxia-telangiectasia. Last evaluated: 2021-03-26. Review status: no assertion criteria provided. Collection method: clinical testing. Allele origin: germline. Not counted in ClinVar's aggregate classification.

NM_000051.4(ATM):c.8260A>G (p.Thr2754Ala)

Genes: ATM (ATM serine/threonine kinase; plus strand), C11orf65 (chromosome 11 open reading frame 65; minus strand). Cytogenetic location: 11q22.3.
Variant type: single nucleotide variant.
Coding change: c.8260A>G on transcript NM_000051.4 (MANE Select); coding-DNA position 8260, A replaced by G.
Protein change: p.Thr2754Ala; replaces threonine 2754 with alanine.
Molecular consequence: missense variant. On other transcripts: intron variant (2).
Genome position (GRCh38, 1-based): chr11:108,335,953, A>G. VCF-style: chr11-108335953-A-G. GRCh37 (hg19) VCF-style: chr11-108206680-A-G.
Other names: c.641-26882T>C (NM_001330368.2); c.695-661T>C (NM_001351110.2); c.8260A>G, p.Thr2754Ala (NM_001351834.2); short protein forms T2754A.
Identifiers: ClinVar variation 140982 (VCV000140982.31), dbSNP rs587781414, ClinGen allele CA164107.
Genomic context (GRCh38, chr11:108,335,953, plus strand): 5'-ATGTGTAATACATTACTGCAGAGAAACACGGAAACTAGGAAGAGGAAATTAACTATCTGT[A>G]CTTATAAGGTAACTATTTGTACTTCTGTTAGTTCACCAAAAACATATAAAAGATGCCATT-3'
Protein context (NP_000042.3, residues 2744-2764): ETRKRKLTIC[Thr2754Ala]YKVVPLSQRS